The following is an entry in ClinVar:

ClinVar aggregate classification (germline): Pathogenic/Likely pathogenic. Review status: criteria provided, multiple submitters, no conflicts (2 of 4 stars). 12 submissions from 12 submitters: Pathogenic (7); Likely pathogenic (2). 3 of the submissions do not count toward it. Last evaluated 2025-12-17.

Conditions:
Niemann-Pick disease, type A. Also called: Infantile Neurovisceral ASMD (Niemann-Pick Disease Type A; NPD-A); SPHINGOMYELIN LIPIDOSIS; SPHINGOMYELINASE DEFICIENCY. Identifiers: Orphanet 77292, MedGen C0268242, MONDO:0009756, OMIM 257200. Disease mechanism: loss of function.
Niemann-Pick disease, type B. Also called: Chronic Visceral ASMD (Niemann-Pick Disease Type B; NPD-B). Identifiers: Orphanet 77293, MedGen C0268243, MONDO:0011871, OMIM 607616. Disease mechanism: loss of function.
Sphingomyelin/cholesterol lipidosis. Also called: Niemann-Pick disease. Identifiers: MedGen C0028064, MONDO:0001982.

Allele frequency attached by ClinVar (database versions not stated): gnomAD 0.00004 and 0.00003; gnomAD exomes 0.00002 and 0.00001; TOPMed 0.00003.
gnomAD v4.1: 26 of 1,614,056 alleles (0.0016%); highest among the groups gnomAD compares: Non-Finnish European, 0.00051%; no homozygotes.

Submissions (12):

Natera, Inc.
Classification: Likely pathogenic for Niemann-Pick Disease, Types A/B. Last evaluated: 2025-12-17. Review status: criteria provided, single submitter. Criteria: Natera Variant Classification Schema (03/2026). Collection method: clinical testing. Allele origin: germline.
Comment: The c.911T>C variant in SMPD1 is a missense variant predicted to cause substitution of leucine to proline at amino acid 304. This variant is rare in the general population with a frequency below the threshold expected for the associated phenotype(s). This variant has been observed in one or more individuals affected with the associated recessive disease, as either homozygous or compound heterozygous with a second variant (PMID: 1391960, 8401540, 37347058). Functional studies show that this variant may disrupt protein function (PMID: 1391960, 18815062). Computational prediction algorithms indicate this variant is likely to affect gene or protein function. Given the available evidence, this variant is classified as Likely Pathogenic.

GeneDx
Classification: Likely pathogenic. Last evaluated: 2025-05-13. Review status: criteria provided, single submitter. Criteria: GeneDx Variant Classification Process June 2021. Collection method: clinical testing. Allele origin: germline.
Comment: Common pathogenic variant in Ashkenazi Jewish patients with Niemann-Pick disease, type A (PMID: 1391960); Expression studies show that L304P abolishes sphingomyelin phosphodiesterase 1 enzyme activity (PMID: 1391960); In silico analysis supports that this missense variant has a deleterious effect on protein structure/function; This variant is associated with the following publications: (PMID: 18815062, 23535491, 26320887, 36907956, 30788890, 26169695, 1391960, 32280632, 24446175, 37069638, 8401540, 37347058)

Baylor Genetics
Classification: Pathogenic for Niemann-Pick disease, type A. Last evaluated: 2024-03-07. Review status: criteria provided, single submitter. Criteria: ACMG Guidelines, 2015. Collection method: clinical testing. Allele origin: unknown.

Labcorp Genetics (formerly Invitae), Labcorp
Classification: Pathogenic for Niemann-Pick disease, type B; Niemann-Pick disease, type A. Last evaluated: 2024-02-16. Review status: criteria provided, single submitter. Criteria: Invitae Variant Classification Sherloc (09022015). Collection method: clinical testing. Allele origin: germline.
Comment: This sequence change replaces leucine, which is neutral and non-polar, with proline, which is neutral and non-polar, at codon 304 of the SMPD1 protein (p.Leu304Pro). This variant is present in population databases (rs120074124, gnomAD 0.04%). This missense change has been observed in individuals with Niemann-Pick type A disease (PMID: 1391960, 8401540, 10464620, 26169695). This variant is also known as p.L302P,. ClinVar contains an entry for this variant (Variation ID: 2989). Advanced modeling of protein sequence and biophysical properties (such as structural, functional, and spatial information, amino acid conservation, physicochemical variation, residue mobility, and thermodynamic stability) performed at Invitae indicates that this missense variant is expected to disrupt SMPD1 protein function with a positive predictive value of 95%. Experimental studies have shown that this missense change affects SMPD1 function (PMID: 1391960, 26499107). For these reasons, this variant has been classified as Pathogenic.

Fulgent Genetics
Classification: Pathogenic for Niemann-Pick disease, type A; Niemann-Pick disease, type B. Last evaluated: 2022-01-19. Review status: criteria provided, single submitter. Criteria: ACMG Guidelines, 2015. Collection method: clinical testing. Allele origin: unknown.

Broad Center for Mendelian Genomics, Broad Institute of MIT and Harvard
Classification: Pathogenic for Sphingomyelin/cholesterol lipidosis. Last evaluated: 2020-01-22. Review status: criteria provided, single submitter. Criteria: ACMG Guidelines, 2015. Collection method: curation. Allele origin: germline. Inheritance: Autosomal recessive inheritance.
Comment: The p.Leu304Pro variant in SMPD1 (also known as p.Leu302Pro due to a difference in cDNA numbering) has been reported in at least 5 individuals with Niemann-Pick disease (PMID: 8401540, 1391960, 18815062) and has been identified in 0.040% (4/10080) of Ashkenazi Jewish chromosomes by the Genome Aggregation Database (gnomAD; dbSNP rs120074124). Although this variant has been seen in the general population, its frequency is low enough to be consistent with a recessive carrier frequency. This variant has also been reported in ClinVar (VariationID: 2989) as Pathogenic by Counsyl, Integrated Genetics, EGL Genetic Diagnostics, OMIM, and GeneReviews. In vitro functional studies provide some evidence that the p.Leu304Pro variant may impact protein function (PMID: 1391960, 18815062). However, these types of assays may not accurately represent biological function. Computational prediction tools and conservation analyses suggest that this variant may impact the protein, though this information is not predictive enough to determine pathogenicity. The presence of this variant in at least 1 affected homozygote and in combination with a reported pathogenic variant in an individual with Niemann-Pick disease increases the likelihood that the p.Leu304Pro variant is pathogenic (VariaitionID: 2990; PMID: 8401540, 1391960, 18815062). The p.Leu304Pro variant is located in a region of SMPD1 that is essential to protein folding and stability, suggesting that this variant is in functional domain and supports pathogenicity (PMID: 27725636, 30788890). The phenotype of an individual homozygous for this variant is highly specific for Niemann-Pick disease based on acid sphingomyelinase activity being <10% of normal, consistent with disease. In summary, this variant meets criteria to be classified as pathogenic for Niemann-Pick disease in an autosomal recessive manner based on the in vitro functional studies, its importance in maintaining structure, and its presence in affected homozygous and compound heterozygous individuals. ACMG/AMP Criteria applied: PS3, PM3, PM1, PM2_supporting, PP3, PP4 (Richards 2015).

Myriad Genetics, Inc.
Classification: Pathogenic for Niemann-Pick disease, type A. Last evaluated: 2019-12-20. Review status: criteria provided, single submitter. Criteria: Myriad Women's Health Autosomal Recessive and X-Linked Classification Criteria (2019). Collection method: clinical testing. Allele origin: unknown.
Comment: NM_000543.4(SMPD1):c.911T>C(L304P, aka L302P) is classified as pathogenic in the context of SMPD1-related Niemann-Pick disease. Sources cited for classification include the following: PMID 18815062, 21502868 and 1391960. Classification of NM_000543.4(SMPD1):c.911T>C(L304P, aka L302P) is based on the following criteria: This is a well-established pathogenic variant in the literature that has been observed more frequently in patients with clinical diagnoses than in healthy populations. Please note: this variant was assessed in the context of healthy population screening.

Women's Health and Genetics/Laboratory Corporation of America, LabCorp
Classification: Pathogenic for Niemann-Pick disease, type A. Last evaluated: 2016-09-05. Review status: criteria provided, single submitter. Criteria: LabCorp Variant Classification Summary - May 2015. Collection method: clinical testing. Allele origin: germline.
Comment: Variant summary: The c.911T>C (p.Leu304Pro, alternatively known as L302P) variant in SMPD1 gene is a missense change that alters a highly conserved nucleotide. The variant, located in the MPP_ASMase domain, is predicted to be deleterious by 5/5 in silico tools. In vitro/vivo functional studies showed that this variant caused severely reduced enzymatic activity. The variant was absent from the large and broad cohorts of the ExAC project (0/121366 chromosomes). The variant was identified in several affected individuals, including multiple homozygotes, with an established diagnosis of NPD-A. Levran (1992) reported the frequency of the variant of interest in affected individuals of Ashkenazi Jewish origin with type A NPD was greater than 20% and called it the second most common disease-causing allele in AJ. Lastly, multiple reputable databases/diagnostic centers classified the variant of interest as Pathogenic. Taken together, the variant was classified as Pathogenic.

Eurofins Ntd Llc (ga)
Classification: Pathogenic. Last evaluated: 2013-04-25. Review status: criteria provided, single submitter. Criteria: EGL Classification Definitions. Collection method: clinical testing. Allele origin: germline. Observed: 2 variant alleles, 2 heterozygotes.

Counsyl
Classification: Pathogenic for Niemann-Pick disease, type B. Last evaluated: 2015-09-10. Review status: no assertion criteria provided. Collection method: clinical testing. Allele origin: unknown. Not counted in ClinVar's aggregate classification.

OMIM
Classification: Pathogenic for NIEMANN-PICK DISEASE, TYPE A. Last evaluated: 1992-10-15. Review status: no assertion criteria provided. Collection method: literature only. Allele origin: germline. Not counted in ClinVar's aggregate classification.

GeneReviews
No classification provided. Condition: Sphingomyelin/cholesterol lipidosis. Review status: no classification provided. Collection method: literature only. Allele origin: germline. Not counted in ClinVar's aggregate classification.
Comment: 1 of 3 common variants that accounts for more than 90% of pathogenic variants in persons of Ashkenazi Jewish ancestry with Niemann-Pick disease type-A

Literature cited by the submitters: PubMed 1391960 (cited by 8 submitters); PubMed 8401540 (cited by 4 submitters); PubMed 37347058 (cited by Natera, Inc.); PubMed 18815062 (cited by 5 submitters); PubMed 10464620 (cited by Labcorp Genetics (formerly Invitae), Labcorp); PubMed 26169695 (cited by Labcorp Genetics (formerly Invitae), Labcorp and Women's Health and Genetics/Laboratory Corporation of America, LabCorp); PubMed 26499107 (cited by Labcorp Genetics (formerly Invitae), Labcorp); PubMed 30788890 (cited by Broad Center for Mendelian Genomics, Broad Institute of MIT and Harvard); PubMed 27725636 (cited by Broad Center for Mendelian Genomics, Broad Institute of MIT and Harvard); PubMed 21502868 (cited by Myriad Genetics, Inc. and Counsyl); PubMed 23535491 (cited by Women's Health and Genetics/Laboratory Corporation of America, LabCorp); PubMed 24446175 (cited by Women's Health and Genetics/Laboratory Corporation of America, LabCorp).

NM_000543.5(SMPD1):c.911T>C (p.Leu304Pro)

Gene: SMPD1 (sphingomyelin phosphodiesterase 1; plus strand). Cytogenetic location: 11p15.4.
Variant type: single nucleotide variant.
Coding change: c.911T>C on transcript NM_000543.5 (MANE Select); coding-DNA position 911, T replaced by C.
Protein change: p.Leu304Pro; replaces leucine 304 with proline.
Genome position (GRCh38, 1-based): chr11:6,391,976, T>C. VCF-style: chr11-6391976-T-C. GRCh37 (hg19) VCF-style: chr11-6413206-T-C.
Other names: L302P; 990delC; c.908T>C, p.Leu303Pro (NM_001007593.3); c.911T>C, p.Leu304Pro (NM_001318087.2, NM_001365135.2); c.-51T>C (NM_001318088.2); short protein forms L304P, L303P.
Identifiers: ClinVar variation 2989 (VCV000002989.61), dbSNP rs120074124, ClinGen allele CA221154.